The following is an entry in ClinVar:

NM_001040108.2(MLH3):c.3849A>C (p.Glu1283Asp)

Gene: MLH3 (mutL homolog 3; minus strand). Cytogenetic location: 14q24.3.
Variant type: single nucleotide variant.
Coding change: c.3849A>C on transcript NM_001040108.2 (MANE Select); coding-DNA position 3849, A replaced by C.
Protein change: p.Glu1283Asp; replaces glutamic acid 1283 with aspartic acid.
Molecular consequence: missense variant.
Genome position (GRCh38, 1-based): chr14:75,030,681, T>G on the plus strand (A>C on the coding strand, the complement: MLH3 is on the minus strand). VCF-style: chr14-75030681-T-G. GRCh37 (hg19) VCF-style: chr14-75497384-T-G.
Other names: c.3777A>C, p.Glu1259Asp (NM_014381.3); short protein forms E1283D, E1259D.
Identifiers: ClinVar variation 2563527 (VCV002563527.2), dbSNP rs2139387492, ClinGen allele CA390423284.

ClinVar aggregate classification (germline): Uncertain significance (1 of 4 stars; one submission).

Allele frequency attached by ClinVar (database versions not stated): gnomAD exomes below 0.00001.
gnomAD v4.1: 1 of 1,613,986 alleles (0.000062%); highest among the groups gnomAD compares: Non-Finnish European, 0.000085%; no homozygotes.

Submission:

Ambry Genetics
Classification: Uncertain significance. Last evaluated: 2023-03-27. Review status: criteria provided, single submitter. Criteria: Ambry Variant Classification Scheme 2023. Collection method: clinical testing. Allele origin: germline.
Comment: The p.E1283D variant (also known as c.3849A>C), located in coding exon 8 of the MLH3 gene, results from an A to C substitution at nucleotide position 3849. The glutamic acid at codon 1283 is replaced by aspartic acid, an amino acid with highly similar properties. This amino acid position is conserved. In addition, this alteration is predicted to be tolerated by in silico analysis. Since supporting evidence is limited at this time, the clinical significance of this alteration remains unclear.